The following is an entry in ClinVar:

ClinVar aggregate classification (germline): Uncertain significance. Review status: criteria provided, multiple submitters, no conflicts (2 of 4 stars). 2 submissions from 2 submitters: Uncertain significance (2). Last evaluated 2026-09-04.

Conditions:
Hereditary cancer-predisposing syndrome. Also called: Tumor predisposition; Hereditary neoplastic syndrome; Hereditary Cancer Syndrome; Neoplastic Syndromes, Hereditary. Identifiers: Orphanet 140162, MedGen C0027672, MeSH D009386, MONDO:0015356.
Tietz syndrome (TADS). Also called: ALBINISM-DEAFNESS OF TIETZ; HYPOPIGMENTATION/DEAFNESS OF TIETZ; TIETZ ALBINISM-DEAFNESS SYNDROME. Identifiers: Orphanet 42665, MedGen C0391816, MONDO:0007077, OMIM 103500.
Waardenburg syndrome type 2A (WS2A). Also called: WAARDENBURG SYNDROME WITHOUT DYSTOPIA CANTHORUM. Identifiers: Orphanet 3440, MedGen C1860339, MONDO:0008671, OMIM 193510.
Melanoma, cutaneous malignant, susceptibility to, 8. Also called: MELANOMA AND RENAL CELL CARCINOMA, SUSCEPTIBILITY TO; Cutaneous malignant melanoma 8. Identifiers: Orphanet 293822, MedGen C3152204, MONDO:0013759, OMIM 614456.

Submissions (2):

Ambry Genetics
Classification: Uncertain significance for Hereditary cancer-predisposing syndrome. Last evaluated: 2026-09-04. Review status: criteria provided, single submitter. Criteria: Ambry Variant Classification Scheme 2023. Collection method: clinical testing. Allele origin: germline.
Comment: The p.E132K variant (also known as c.394G>A), located in coding exon 4 of the MITF gene, results from a G to A substitution at nucleotide position 394. The glutamic acid at codon 132 is replaced by lysine, an amino acid with similar properties. This amino acid position is conserved. In addition, this alteration is predicted to be tolerated by in silico analysis. Based on the available evidence, the clinical significance of this variant remains unclear.

Labcorp Genetics (formerly Invitae), Labcorp
Classification: Uncertain significance for Melanoma, cutaneous malignant, susceptibility to, 8; Waardenburg syndrome type 2A; Tietz syndrome. Last evaluated: 2025-01-14. Review status: criteria provided, single submitter. Criteria: Invitae Variant Classification Sherloc (09022015). Collection method: clinical testing. Allele origin: germline.
Comment: This sequence change replaces glutamic acid, which is acidic and polar, with lysine, which is basic and polar, at codon 132 of the MITF protein (p.Glu132Lys). This variant is not present in population databases (gnomAD no frequency). This variant has not been reported in the literature in individuals affected with MITF-related conditions. Invitae Evidence Modeling of protein sequence and biophysical properties (such as structural, functional, and spatial information, amino acid conservation, physicochemical variation, residue mobility, and thermodynamic stability) indicates that this missense variant is not expected to disrupt MITF protein function with a negative predictive value of 80%. In summary, the available evidence is currently insufficient to determine the role of this variant in disease. Therefore, it has been classified as a Variant of Uncertain Significance.

NM_001354604.2(MITF):c.715G>A (p.Glu239Lys)

Gene: MITF (melanocyte inducing transcription factor; plus strand). Cytogenetic location: 3p13.
Variant type: single nucleotide variant.
Coding change: c.715G>A on transcript NM_001354604.2 (MANE Select); coding-DNA position 715, G replaced by A.
Protein change: p.Glu239Lys; replaces glutamic acid 239 with lysine.
Molecular consequence: missense variant.
Genome position (GRCh38, 1-based): chr3:69,941,284, G>A. VCF-style: chr3-69941284-G-A. GRCh37 (hg19) VCF-style: chr3-69990435-G-A.
Other names: c.394G>A, p.Glu132Lys (NM_000248.4, NM_198158.3); c.559G>A, p.Glu187Lys (NM_001184967.2, NM_001354608.2); c.712G>A, p.Glu238Lys (NM_001354605.2, NM_001354606.2, NM_006722.3); c.664G>A, p.Glu222Lys (NM_001354607.2); c.715G>A, p.Glu239Lys (NM_198159.3); c.667G>A, p.Glu223Lys (NM_198177.3); c.226G>A, p.Glu76Lys (NM_198178.3); short protein forms E132K, E187K, E222K, E223K, E238K, E239K, E76K.
Identifiers: ClinVar variation 3758050 (VCV003758050.3).